The following is an entry in ClinVar:

ClinVar aggregate classification (germline): Likely benign. Review status: criteria provided, multiple submitters, no conflicts (2 of 4 stars). 2 submissions from 2 submitters: Likely benign (2). Last evaluated 2024-12-17.

Conditions:
Hereditary breast ovarian cancer syndrome. Also called: Hereditary breast and ovarian cancer; Hereditary breast and ovarian cancer syndrome (HBOC); Breast and ovarian cancer; Hereditary breast and/or ovarian cancer syndrome; BRCA1- and BRCA2-Associated Hereditary Breast and Ovarian Cancer; Hereditary breast and ovarian cancer syndrome. Identifiers: Orphanet 145, MedGen C0677776, MeSH D061325, MONDO:0003582. Disease mechanism: loss of function.

Submissions (3):

Women's Health and Genetics/Laboratory Corporation of America, LabCorp
Classification: Likely benign. Last evaluated: 2024-12-17. Review status: criteria provided, single submitter. Criteria: LabCorp Variant Classification Summary - May 2015. Collection method: clinical testing. Allele origin: germline.
Comment: Variant summary: BRCA1 c.5467+19C>T alters a nucleotide located at a position not widely known to affect splicing. Consensus agreement among computation tools predict no significant impact on normal splicing. However, these predictions have yet to be confirmed by functional studies. The variant was absent in 251480 control chromosomes. The available data on variant occurrences in the general population are insufficient to allow any conclusion about variant significance. To our knowledge, no occurrence of c.5467+19C>T in individuals affected with Hereditary Breast And Ovarian Cancer Syndrome has been reported. At least one publication reports experimental evidence evaluating an impact on protein function. The most pronounced variant effect results in >50%-90% of normal activity. The following publication have been ascertained in the context of this evaluation (PMID: 30209399). ClinVar contains an entry for this variant (Variation ID: 868542). Based on the evidence outlined above, the variant was classified as likely benign.

Labcorp Genetics (formerly Invitae), Labcorp
Classification: Likely benign for Hereditary breast ovarian cancer syndrome. Last evaluated: 2023-09-24. Review status: criteria provided, single submitter. Criteria: Invitae Variant Classification Sherloc (09022015). Collection method: clinical testing. Allele origin: germline.

Brotman Baty Institute, University of Washington
No classification provided (evidence only). Condition: Breast-ovarian cancer, familial 1. Review status: no classification provided. Collection method: in vitro. Allele origin: not applicable. Functional consequence: function_uncertain_variant. Not counted in ClinVar's aggregate classification.
ClinVar note: "not provided" was previously submitted as the classification for the variant. However, the classification appeared to be based only on an observation of functional data so it was converted to no classification on 2025-07-30.

Literature cited by the submitters: PubMed 30209399 (cited by Women's Health and Genetics/Laboratory Corporation of America, LabCorp).

NM_007294.4(BRCA1):c.5467+19C>T

Gene: BRCA1 (BRCA1 DNA repair associated; minus strand). Cytogenetic location: 17q21.31.
Variant type: single nucleotide variant.
Coding change: c.5467+19C>T on transcript NM_007294.4 (MANE Select); 19 bases into the intron after coding-DNA position 5467, C replaced by T.
Molecular consequence: intron variant.
Genome position (GRCh38, 1-based): chr17:43,047,624, G>A on the plus strand (C>T on the coding strand, the complement: BRCA1 is on the minus strand). VCF-style: chr17-43047624-G-A. GRCh37 (hg19) VCF-style: chr17-41199641-G-A.
Other names: c.2014+19C>T (NM_001408458.1, NM_001408461.1, NM_001408464.1 and 7 more transcripts); c.4576+19C>T (NM_001407967.1); c.5086+19C>T (NM_001407959.1); c.5200+19C>T (NM_001407931.1, NM_001407932.1, NM_001407928.1 and 4 more transcripts); c.5323+19C>T (NM_001407747.1, NM_001407745.1, NM_001407737.1 and 18 more transcripts); c.5083+19C>T (NM_001407962.1, NM_001407960.1); c.1654+19C>T (NM_001408512.1); c.1777+19C>T (NM_001408510.1); and 83 more.
Identifiers: ClinVar variation 868542 (VCV000868542.10), dbSNP rs2050971735, ClinGen allele CA916080736.
Genomic context (GRCh38, chr17:43,047,624, plus strand): 5'-TCAAGCACCAGGTAATGAGTGATAAACCAAACCCATGCAAAAGGACCCCATATAGCACAG[G>A]TACATGCAGGCACCTTACCATGGAAGCCATTGTCCTCTGTCCAGGCATCTGGCTGCACAA-3'